The following is an entry in ClinVar:

ClinVar aggregate classification (germline): Uncertain significance (1 of 4 stars; one submission).

Conditions:
Retinoblastoma (RB1). Also called: RETINOBLASTOMA, SOMATIC. Identifiers: Orphanet 790, MedGen C0035335, MeSH D012175, MONDO:0008380, OMIM 180200, HP:0009919. Disease mechanism: loss of function. Inheritance: Both sporadic and heritable forms are tested..

Submission:

Labcorp Genetics (formerly Invitae), Labcorp
Classification: Uncertain significance for Retinoblastoma. Last evaluated: 2024-06-13. Review status: criteria provided, single submitter. Criteria: Invitae Variant Classification Sherloc (09022015). Collection method: clinical testing. Allele origin: germline.
Comment: This variant occurs in a non-coding region of the RB1 gene. It does not change the encoded amino acid sequence of the RB1 protein. This variant is not present in population databases (gnomAD no frequency). This variant has not been reported in the literature in individuals affected with RB1-related conditions. In summary, the available evidence is currently insufficient to determine the role of this variant in disease. Therefore, it has been classified as a Variant of Uncertain Significance.

NM_000321.3(RB1):c.-96G>C

Gene: RB1 (RB transcriptional corepressor 1; plus strand). Cytogenetic location: 13q14.2.
Variant type: single nucleotide variant.
Coding change: c.-96G>C on transcript NM_000321.3 (MANE Select); 96 bases upstream of the start codon, G replaced by C.
Molecular consequence: 5 prime UTR variant.
Genome position (GRCh38, 1-based): chr13:48,303,817, G>C. VCF-style: chr13-48303817-G-C. GRCh37 (hg19) VCF-style: chr13-48877953-G-C.
Other names: c.-96G>C (NM_001407165.1, NM_001407166.1, NM_001407167.1).
Identifiers: ClinVar variation 3712407 (VCV003712407.2).